The following is an entry in ClinVar:

ClinVar aggregate classification (germline): Uncertain significance (1 of 4 stars; one submission).

Conditions:
Hypercholesterolemia, autosomal dominant, 3 (FHCL3). Also called: PCSK9-Related Familial Hypercholesterolemia, Autosomal Dominant; Familial Hypercholesterolemia, Autosomal Dominant, 3; Familial hypercholesterolemia 3. Identifiers: MedGen C1863551, MONDO:0011369, OMIM 603776.

Submission:

All of Us Research Program, National Institutes of Health
Classification: Uncertain significance for Hypercholesterolemia, autosomal dominant, 3. Last evaluated: 2023-04-10. Review status: criteria provided, single submitter. Criteria: ACMG Guidelines, 2015. Collection method: clinical testing. Allele origin: germline. Inheritance: Autosomal dominant inheritance. Observed: 1 variant allele, 1 heterozygote.
Comment: This missense variant replaces asparagine with tyrosine at codon 354 of the PCSK9 protein. Computational prediction suggests that this variant may have deleterious impact on protein structure and function (internally defined REVEL score threshold >= 0.7, PMID: 27666373). To our knowledge, functional studies have not been reported for this variant. This variant has not been reported in individuals affected with PCSK9-related disorders in the literature. This variant has not been identified in the general population by the Genome Aggregation Database (gnomAD). The available evidence is insufficient to determine the role of this variant in disease conclusively. Therefore, this variant is classified as a Variant of Uncertain Significance.

This study involves interpretation of variants in research participants for the purpose of population health screening. Participant phenotype was not available at the time of variant classification. Additional details can be found in publication PMID: 35346344, PMCID: PMC8962531

NM_174936.4(PCSK9):c.1060A>T (p.Asn354Tyr)

Gene: PCSK9 (proprotein convertase subtilisin/kexin type 9; plus strand). Cytogenetic location: 1p32.3.
Variant type: single nucleotide variant.
Coding change: c.1060A>T on transcript NM_174936.4 (MANE Select); coding-DNA position 1060, A replaced by T.
Protein change: p.Asn354Tyr; replaces asparagine 354 with tyrosine.
Molecular consequence: missense variant. On other transcripts: non-coding transcript variant (7).
Genome position (GRCh38, 1-based): chr1:55,057,394, A>T. VCF-style: chr1-55057394-A-T. GRCh37 (hg19) VCF-style: chr1-55523067-A-T.
Other names: c.1183A>T, p.Asn395Tyr (NM_001407240.1); c.1060A>T, p.Asn354Tyr (NM_001407241.1, NM_001407244.1, NM_001407247.1); c.1063A>T, p.Asn355Tyr (NM_001407242.1); c.1003A>T, p.Asn335Tyr (NM_001407243.1); c.868A>T, p.Asn290Tyr (NM_001407245.1); c.685A>T, p.Asn229Tyr (NM_001407246.1); short protein forms N229Y, N290Y, N335Y, N354Y, N355Y, N395Y.
Identifiers: ClinVar variation 3070354 (VCV003070354.1), dbSNP rs2523254641, ClinGen allele CA340476496.